The following is an entry in ClinVar:

ClinVar aggregate classification (germline): Uncertain significance. Review status: criteria provided, multiple submitters, no conflicts (2 of 4 stars). 2 submissions from 2 submitters: Uncertain significance (2). Last evaluated 2024-02-05.

Conditions:
Inborn genetic diseases. Identifiers: MedGen C0950123, MeSH D030342.

Allele frequency attached by ClinVar (database versions not stated): TOPMed 0.00001; ExAC 0.00002; gnomAD 0.00003; 1000 Genomes Project 0.00020; 1000 Genomes Project 30x 0.00031.
gnomAD v4.1: 29 of 1,614,036 alleles (0.0018%); highest among the groups gnomAD compares: Admixed American, 0.013%; no homozygotes.

Submissions (2):

Ambry Genetics
Classification: Uncertain significance for Inborn genetic diseases. Last evaluated: 2024-02-05. Review status: criteria provided, single submitter. Criteria: Ambry Variant Classification Scheme 2023. Collection method: clinical testing. Allele origin: germline.

Labcorp Genetics (formerly Invitae), Labcorp
Classification: Uncertain significance. Last evaluated: 2022-07-14. Review status: criteria provided, single submitter. Criteria: Invitae Variant Classification Sherloc (09022015). Collection method: clinical testing. Allele origin: germline.
Comment: This sequence change replaces valine, which is neutral and non-polar, with methionine, which is neutral and non-polar, at codon 1239 of the LAMC3 protein (p.Val1239Met). This variant is present in population databases (rs193210119, gnomAD 0.003%). This variant has not been reported in the literature in individuals affected with LAMC3-related conditions. Algorithms developed to predict the effect of missense changes on protein structure and function output the following: SIFT: "Tolerated"; PolyPhen-2: "Benign"; Align-GVGD: "Class C0". The methionine amino acid residue is found in multiple mammalian species, which suggests that this missense change does not adversely affect protein function. In summary, the available evidence is currently insufficient to determine the role of this variant in disease. Therefore, it has been classified as a Variant of Uncertain Significance.

NM_006059.4(LAMC3):c.3715G>A (p.Val1239Met)

Gene: LAMC3 (laminin subunit gamma 3; plus strand). Cytogenetic location: 9q34.12.
Variant type: single nucleotide variant.
Coding change: c.3715G>A on transcript NM_006059.4 (MANE Select); coding-DNA position 3715, G replaced by A.
Protein change: p.Val1239Met; replaces valine 1239 with methionine.
Molecular consequence: missense variant.
Genome position (GRCh38, 1-based): chr9:131,077,272, G>A. VCF-style: chr9-131077272-G-A. GRCh37 (hg19) VCF-style: chr9-133952659-G-A.
Other names: c.3715G>A (NM_006059.3); short protein forms V1239M.
Identifiers: ClinVar variation 2175675 (VCV002175675.2), dbSNP rs193210119, ClinGen allele CA5287911.